The following is an entry in ClinVar:

NM_032043.3(BRIP1):c.1000G>T (p.Ala334Ser)

Gene: BRIP1 (BRCA1 interacting DNA helicase 1; minus strand). Cytogenetic location: 17q23.2.
Variant type: single nucleotide variant.
Coding change: c.1000G>T on transcript NM_032043.3 (MANE Select); coding-DNA position 1000, G replaced by T.
Protein change: p.Ala334Ser; replaces alanine 334 with serine.
Molecular consequence: missense variant.
Genome position (GRCh38, 1-based): chr17:61,801,393, C>A on the plus strand (G>T on the coding strand, the complement: BRIP1 is on the minus strand). VCF-style: chr17-61801393-C-A. GRCh37 (hg19) VCF-style: chr17-59878754-C-A.
Other names: p.A334S:GCC>TCC; short protein forms A334S.
Identifiers: ClinVar variation 182343 (VCV000182343.24), dbSNP rs535414791, ClinGen allele CA298863.

ClinVar aggregate classification (germline): Uncertain significance. Review status: criteria provided, multiple submitters, no conflicts (2 of 4 stars). 5 submissions from 5 submitters: Uncertain significance (5). Last evaluated 2025-10-13.

Conditions:
Hereditary cancer-predisposing syndrome. Also called: Tumor predisposition; Hereditary Cancer Syndrome; Hereditary neoplastic syndrome; Neoplastic Syndromes, Hereditary. Identifiers: Orphanet 140162, MedGen C0027672, MeSH D009386, MONDO:0015356.
Familial cancer of breast. Also called: BREAST CANCER, FAMILIAL; hereditary breast carcinoma; Hereditary breast cancer. Identifiers: Orphanet 227535, MedGen C0346153, MONDO:0016419, OMIM 114480. Disease mechanism: loss of function.
Fanconi anemia complementation group J. Also called: BRIP1-Related Fanconi Anemia. Identifiers: Orphanet 84, MedGen C1836860, MONDO:0012187, OMIM 609054.

gnomAD v4.1: 5 of 1,613,998 alleles (0.00031%); highest among the groups gnomAD compares: Non-Finnish European, 0.00042%; no homozygotes.

Submissions (5):

Labcorp Genetics (formerly Invitae), Labcorp
Classification: Uncertain significance for Familial cancer of breast; Fanconi anemia complementation group J. Last evaluated: 2025-10-13. Review status: criteria provided, single submitter. Criteria: Invitae Variant Classification Sherloc (09022015). Collection method: clinical testing. Allele origin: germline.
Comment: This sequence change replaces alanine, which is neutral and non-polar, with serine, which is neutral and polar, at codon 334 of the BRIP1 protein (p.Ala334Ser). This variant is not present in population databases (gnomAD no frequency). This missense change has been observed in individual(s) with breast cancer (PMID: 25980754, 26921362, 35264596). ClinVar contains an entry for this variant (Variation ID: 182343). Invitae Evidence Modeling of protein sequence and biophysical properties (such as structural, functional, and spatial information, amino acid conservation, physicochemical variation, residue mobility, and thermodynamic stability) has been performed for this missense variant. However, the output from this modeling did not meet the statistical confidence thresholds required to predict the impact of this variant on BRIP1 protein function. In summary, the available evidence is currently insufficient to determine the role of this variant in disease. Therefore, it has been classified as a Variant of Uncertain Significance.

Ambry Genetics
Classification: Uncertain significance for Hereditary cancer-predisposing syndrome. Last evaluated: 2025-01-03. Review status: criteria provided, single submitter. Criteria: Ambry Variant Classification Scheme 2023. Collection method: clinical testing. Allele origin: germline.
Comment: The p.A334S variant (also known as c.1000G>T), located in coding exon 7 of the BRIP1 gene, results from a G to T substitution at nucleotide position 1000. The alanine at codon 334 is replaced by serine, an amino acid with similar properties. This alteration was observed in several cohorts of individuals with a personal history of breast cancer (Easton DF et al. J Med Genet, 2016 May;53:298-309; Guindalini RSC et al. Sci Rep, 2022 Mar;12:4190). This amino acid position is highly conserved in available vertebrate species. In addition, the in silico prediction for this alteration is inconclusive. Based on the available evidence, the clinical significance of this variant remains unclear.

Color Diagnostics, LLC DBA Color Health
Classification: Uncertain significance for Hereditary cancer-predisposing syndrome. Last evaluated: 2024-02-20. Review status: criteria provided, single submitter. Criteria: ACMG Guidelines, 2015. Collection method: clinical testing. Allele origin: germline.
Comment: This missense variant replaces alanine with serine at codon 334 of the BRIP1 protein. Computational prediction is inconclusive regarding the impact of this variant on protein structure and function. To our knowledge, functional studies have not been reported for this variant. This variant has been reported in individuals affected with breast cancer (PMID: 26921362) and Lynch syndrome-associated cancer and/or polyps (PMID: 25980754). This variant has not been identified in the general population by the Genome Aggregation Database (gnomAD). The available evidence is insufficient to determine the role of this variant in disease conclusively. Therefore, this variant is classified as a Variant of Uncertain Significance.

Mendelics
Classification: Uncertain significance for Fanconi anemia, complementation group J. Last evaluated: 2018-07-02. Review status: criteria provided, single submitter. Criteria: Mendelics Assertion Criteria 2017. Collection method: clinical testing. Allele origin: unknown.

GeneDx
Classification: Uncertain significance. Last evaluated: 2015-10-22. Review status: criteria provided, single submitter. Criteria: GeneDx Variant Classification (06012015). Collection method: clinical testing. Allele origin: germline. Affected: yes.
Comment: This variant is denoted BRIP1 c.1000G>T at the cDNA level, p.Ala334Ser (A334S) at the protein level, and results in the change of an Alanine to a Serine (GCC>TCC). This variant was identified in an individual undergoing multigene cancer panel testing due to a history of a Lynch syndrome-related cancer and/or polyps (Yurgelun 2015). BRIP1 Ala334Ser was not observed in approximately 6,500 individuals of European and African American ancestry in the NHLBI Exome Sequencing Project, indicating it is not a common benign variant in these populations. Since Alanine and Serine differ in polarity, charge, size or other properties, this is considered a non-conservative amino acid substitution. BRIP1 Ala334Ser occurs at a position that is conserved across species and is located in the Helicase ATP-binding domain (UniProt, Cantor 2011). In silico analyses predict that this variant is probably damaging to protein structure and function. Based on currently available information, it is unclear whether BRIP1 Ala334Ser is a pathogenic or benign variant. We consider it to be a variant of uncertain significance.

Literature cited by the submitters: PubMed 25980754 (cited by Labcorp Genetics (formerly Invitae), Labcorp and Color Diagnostics, LLC DBA Color Health); PubMed 26921362 (cited by 3 submitters); PubMed 35264596 (cited by Labcorp Genetics (formerly Invitae), Labcorp and Ambry Genetics).